The following is an entry in ClinVar:

NM_014679.5(CEP57):c.372G>T (p.Lys124Asn)

Gene: CEP57 (centrosomal protein 57; plus strand). Cytogenetic location: 11q21.
Variant type: single nucleotide variant.
Coding change: c.372G>T on transcript NM_014679.5 (MANE Select); coding-DNA position 372, G replaced by T.
Protein change: p.Lys124Asn; replaces lysine 124 with asparagine.
Molecular consequence: missense variant.
Genome position (GRCh38, 1-based): chr11:95,813,101, G>T. VCF-style: chr11-95813101-G-T. GRCh37 (hg19) VCF-style: chr11-95546265-G-T.
Other names: c.345G>T, p.Lys115Asn (NM_001243776.2); c.372G>T, p.Lys124Asn (NM_001243777.2); c.291G>T, p.Lys97Asn (NM_001363604.2); c.372G>T (NM_014679.4); short protein forms K115N, K124N, K97N.
Identifiers: ClinVar variation 3703588 (VCV003703588.3).
Genomic context (GRCh38, chr11:95,813,101, plus strand): 5'-TAAGAAAGTACTGGATGAACAGATACAAGAAAGGGAGAATTCAAAGAATGAGGAATCAAA[G>T]CACAATCAAGGTTTGTTGATGAAGAAAATTAAAATTCTATCAAAATAAGTGTTGTGCAGT-3'
Protein context (NP_055494.2, residues 114-134): ERENSKNEES[Lys124Asn]HNQELTSQLL

ClinVar aggregate classification (germline): Uncertain significance. Review status: criteria provided, multiple submitters, no conflicts (2 of 4 stars). 2 submissions from 2 submitters: Uncertain significance (2). Last evaluated 2025-01-05.

Conditions:
Mosaic variegated aneuploidy syndrome 2 (MVA2). Identifiers: Orphanet 1052, MedGen C3279843, MONDO:0013582, OMIM 614114.
Inborn genetic diseases. Identifiers: MedGen C0950123, MeSH D030342.

Submissions (2):

Ambry Genetics
Classification: Uncertain significance for Inborn genetic diseases. Last evaluated: 2025-01-05. Review status: criteria provided, single submitter. Criteria: Ambry Variant Classification Scheme 2023. Collection method: clinical testing. Allele origin: germline.
Comment: The p.K124N variant (also known as c.372G>T), located in coding exon 3 of the CEP57 gene, results from a G to T substitution at nucleotide position 372. The lysine at codon 124 is replaced by asparagine, an amino acid with similar properties. This amino acid position is conserved. In addition, this alteration is predicted to be tolerated by in silico analysis. Based on the available evidence, the clinical significance of this variant remains unclear.

Labcorp Genetics (formerly Invitae), Labcorp
Classification: Uncertain significance for Mosaic variegated aneuploidy syndrome 2. Last evaluated: 2024-04-06. Review status: criteria provided, single submitter. Criteria: Invitae Variant Classification Sherloc (09022015). Collection method: clinical testing. Allele origin: germline.
Comment: This sequence change replaces lysine, which is basic and polar, with asparagine, which is neutral and polar, at codon 124 of the CEP57 protein (p.Lys124Asn). This variant is not present in population databases (gnomAD no frequency). This variant has not been reported in the literature in individuals affected with CEP57-related conditions. Advanced modeling of protein sequence and biophysical properties (such as structural, functional, and spatial information, amino acid conservation, physicochemical variation, residue mobility, and thermodynamic stability) performed at Invitae indicates that this missense variant is not expected to disrupt CEP57 protein function with a negative predictive value of 80%. In summary, the available evidence is currently insufficient to determine the role of this variant in disease. Therefore, it has been classified as a Variant of Uncertain Significance.